The following is an entry in ClinVar:

ClinVar aggregate classification (germline): Uncertain significance (1 of 4 stars; one submission).

Conditions:
Combined oxidative phosphorylation deficiency. Identifiers: MedGen C4540031, MONDO:0000732.
Charcot-Marie-Tooth Neuropathy X. Identifiers: MedGen CN118851.

Submission:

Labcorp Genetics (formerly Invitae), Labcorp
Classification: Uncertain significance for Charcot-Marie-Tooth Neuropathy X; Combined oxidative phosphorylation deficiency. Last evaluated: 2024-04-13. Review status: criteria provided, single submitter. Criteria: Invitae Variant Classification Sherloc (09022015). Collection method: clinical testing. Allele origin: germline.
Comment: This sequence change replaces valine, which is neutral and non-polar, with methionine, which is neutral and non-polar, at codon 577 of the AIFM1 protein (p.Val577Met). This variant is not present in population databases (gnomAD no frequency). This variant has not been reported in the literature in individuals affected with AIFM1-related conditions. ClinVar contains an entry for this variant (Variation ID: 1467763). Advanced modeling of protein sequence and biophysical properties (such as structural, functional, and spatial information, amino acid conservation, physicochemical variation, residue mobility, and thermodynamic stability) has been performed at Invitae for this missense variant, however the output from this modeling did not meet the statistical confidence thresholds required to predict the impact of this variant on AIFM1 protein function. In summary, the available evidence is currently insufficient to determine the role of this variant in disease. Therefore, it has been classified as a Variant of Uncertain Significance.

NM_004208.4(AIFM1):c.1729G>A (p.Val577Met)

Genes: AIFM1 (apoptosis inducing factor mitochondria associated 1; minus strand), RAB33A (RAB33A, member RAS oncogene family; plus strand). Cytogenetic location: Xq26.1.
Variant type: single nucleotide variant.
Coding change: c.1729G>A on transcript NM_004208.4 (MANE Select); coding-DNA position 1729, G replaced by A.
Protein change: p.Val577Met; replaces valine 577 with methionine.
Molecular consequence: missense variant. On other transcripts: 3 prime UTR variant (1), non-coding transcript variant (1).
Genome position (GRCh38, 1-based): chrX:130,130,011, C>T on the plus strand (G>A on the coding strand, the complement: AIFM1 is on the minus strand). VCF-style: chrX-130130011-C-T. GRCh37 (hg19) VCF-style: chrX-129263986-C-T.
Other names: c.712G>A, p.Val238Met (NM_001130846.4); c.*957G>A (NM_001130847.4); c.1717G>A, p.Val573Met (NM_145812.3); short protein forms V577M, V238M, V573M.
Identifiers: ClinVar variation 1467763 (VCV001467763.6), dbSNP rs2124644030, ClinGen allele CA414567737.